The following is an entry in ClinVar:

ClinVar aggregate classification (germline): Uncertain significance. Review status: criteria provided, multiple submitters, no conflicts (2 of 4 stars). 2 submissions from 2 submitters: Uncertain significance (2). Last evaluated 2025-11-03.

Conditions:
POLD1-related polyposis and colorectal cancer syndrome (CRCS10). Also called: Colorectal cancer 10; COLORECTAL CANCER, SUSCEPTIBILITY TO, ON CHROMOSOME 19q; Colorectal cancer, susceptibility to, 10. Identifiers: Orphanet 220460, MedGen C2675481, MONDO:0012953, OMIM 612591.
Hereditary cancer-predisposing syndrome. Also called: Tumor predisposition; Hereditary Cancer Syndrome; Hereditary neoplastic syndrome; Neoplastic Syndromes, Hereditary. Identifiers: Orphanet 140162, MedGen C0027672, MeSH D009386, MONDO:0015356.

Allele frequency attached by ClinVar (database versions not stated): gnomAD exomes below 0.00001; TOPMed below 0.00001.

Submissions (2):

Ambry Genetics
Classification: Uncertain significance for Hereditary cancer-predisposing syndrome. Last evaluated: 2025-11-03. Review status: criteria provided, single submitter. Criteria: Ambry Variant Classification Scheme 2023. Collection method: clinical testing. Allele origin: germline.
Comment: The p.I878T variant (also known as c.2633T>C), located in coding exon 20 of the POLD1 gene, results from a T to C substitution at nucleotide position 2633. The isoleucine at codon 878 is replaced by threonine, an amino acid with similar properties. This amino acid position is conserved. In addition, the in silico prediction for this alteration is inconclusive. Since supporting evidence is limited at this time, the clinical significance of this alteration remains unclear.

Labcorp Genetics (formerly Invitae), Labcorp
Classification: Uncertain significance for POLD1-related polyposis and colorectal cancer syndrome. Last evaluated: 2025-07-28. Review status: criteria provided, single submitter. Criteria: Invitae Variant Classification Sherloc (09022015). Collection method: clinical testing. Allele origin: germline.
Comment: This sequence change replaces isoleucine, which is neutral and non-polar, with threonine, which is neutral and polar, at codon 878 of the POLD1 protein (p.Ile878Thr). This variant is not present in population databases (gnomAD no frequency). This variant has not been reported in the literature in individuals affected with POLD1-related conditions. ClinVar contains an entry for this variant (Variation ID: 1794089). Invitae Evidence Modeling of protein sequence and biophysical properties (such as structural, functional, and spatial information, amino acid conservation, physicochemical variation, residue mobility, and thermodynamic stability) indicates that this missense variant is not expected to disrupt POLD1 protein function with a negative predictive value of 80%. In summary, the available evidence is currently insufficient to determine the role of this variant in disease. Therefore, it has been classified as a Variant of Uncertain Significance.

NM_002691.4(POLD1):c.2633T>C (p.Ile878Thr)

Gene: POLD1 (DNA polymerase delta 1, catalytic subunit; plus strand). Cytogenetic location: 19q13.33.
Variant type: single nucleotide variant.
Coding change: c.2633T>C on transcript NM_002691.4 (MANE Select); coding-DNA position 2633, T replaced by C.
Protein change: p.Ile878Thr; replaces isoleucine 878 with threonine.
Molecular consequence: missense variant. On other transcripts: non-coding transcript variant (1).
Genome position (GRCh38, 1-based): chr19:50,415,506, T>C. VCF-style: chr19-50415506-T-C. GRCh37 (hg19) VCF-style: chr19-50918763-T-C.
Other names: c.2633T>C, p.Ile878Thr (NM_001256849.1); c.2711T>C, p.Ile904Thr (NM_001308632.1); short protein forms I878T, I904T.
Identifiers: ClinVar variation 1794089 (VCV001794089.6), dbSNP rs2039247081, ClinGen allele CA406985499.